The following is an entry in ClinVar:

ClinVar aggregate classification (germline): Uncertain significance (1 of 4 stars; one submission).

Conditions:
Hereditary cancer-predisposing syndrome. Also called: Hereditary neoplastic syndrome; Neoplastic Syndromes, Hereditary; Tumor predisposition; Hereditary Cancer Syndrome. Identifiers: Orphanet 140162, MedGen C0027672, MeSH D009386, MONDO:0015356.

Submission:

Ambry Genetics
Classification: Uncertain significance for Hereditary cancer-predisposing syndrome. Last evaluated: 2025-02-15. Review status: criteria provided, single submitter. Criteria: Ambry Variant Classification Scheme 2023. Collection method: clinical testing. Allele origin: germline.
Comment: The p.Q15H variant (also known as c.45G>C), located in coding exon 1 of the DICER1 gene, results from a G to C substitution at nucleotide position 45. The glutamine at codon 15 is replaced by histidine, an amino acid with highly similar properties. This amino acid position is conserved. In addition, the in silico prediction for this alteration is inconclusive. Based on the available evidence, the clinical significance of this variant remains unclear.

NM_177438.3(DICER1):c.45G>C (p.Gln15His)

Gene: DICER1 (dicer 1, ribonuclease III; minus strand). Cytogenetic location: 14q32.13.
Variant type: single nucleotide variant.
Coding change: c.45G>C on transcript NM_177438.3 (MANE Select); coding-DNA position 45, G replaced by C.
Protein change: p.Gln15His; replaces glutamine 15 with histidine.
Molecular consequence: missense variant. On other transcripts: 5 prime UTR variant (8), non-coding transcript variant (6), intron variant (1).
Genome position (GRCh38, 1-based): chr14:95,133,414, C>G on the plus strand (G>C on the coding strand, the complement: DICER1 is on the minus strand). VCF-style: chr14-95133414-C-G. GRCh37 (hg19) VCF-style: chr14-95599751-C-G.
Other names: c.45G>C, p.Gln15His (NM_001195573.1, NM_001271282.3, NM_001291628.2 and 14 more transcripts); c.-230G>C (NM_001395686.1, NM_001395688.1, NM_001395689.1 and 3 more transcripts); c.-414G>C (NM_001395691.1); c.-1524G>C (NM_001395697.1); c.-130-737G>C (NM_001395687.1); short protein forms Q15H.
Identifiers: ClinVar variation 3839972 (VCV003839972.1).